The following is an entry in ClinVar:

ClinVar aggregate classification (germline): Pathogenic/Likely pathogenic. Review status: criteria provided, multiple submitters, no conflicts (2 of 4 stars). 8 submissions from 8 submitters: Pathogenic (5); Likely pathogenic (2). 1 of the submissions does not count toward it. Last evaluated 2026-02-09.

Conditions:
Aplastic anemia. Identifiers: Orphanet 182040, Orphanet 88, MedGen C0002874, MONDO:0015909, OMIM 609135, HP:0001915.
Familial hemophagocytic lymphohistiocytosis 2 (FHL2). Also called: PRF1-Related Familial Hemophagocytic Lymphohistiocytosis (PRF1-fHLH). Identifiers: Orphanet 540, MedGen C1863727, MONDO:0011337, OMIM 603553.
PRF1-related disorder. Also called: PRF1-related condition.

Allele frequency attached by ClinVar (database versions not stated): ExAC 0.00001; gnomAD 0.00001; gnomAD exomes 0.00001.

Submissions (8):

PreventionGenetics, part of Exact Sciences
Classification: Likely pathogenic for PRF1-related condition. Last evaluated: 2026-02-09. Review status: criteria provided, single submitter. Criteria: ACMG Guidelines, 2015. Collection method: clinical testing. Allele origin: germline.
Comment: The PRF1 c.1081A>T variant is predicted to result in the amino acid substitution p.Arg361Trp. This variant has been reported in the homozygous state or with a second PRF1 variant in individuals with hemophagocytic lymphohistiocytosis (see, for exampe: Molleran Lee et al. 2004. PubMed ID: 14757862; Gadoury-Levesque et al. 2020. PubMed ID: 32542393; Alzuabi et al. 2025. PubMed ID: 40624627). In vitro experimental studies indicate this variant impacts protein function (Voskoboinik et al. 2005. PubMed ID: 15755897; Risma et al. 2006. PubMed ID: 16374518). This variant is reported in 0.0085% of alleles in individuals of Latino descent in gnomAD. This variant is interpreted as likely pathogenic.

Labcorp Genetics (formerly Invitae), Labcorp
Classification: Pathogenic for Familial hemophagocytic lymphohistiocytosis 2. Last evaluated: 2026-01-28. Review status: criteria provided, single submitter. Criteria: Invitae Variant Classification Sherloc (09022015). Collection method: clinical testing. Allele origin: germline.
Comment: This sequence change replaces arginine, which is basic and polar, with tryptophan, which is neutral and slightly polar, at codon 361 of the PRF1 protein (p.Arg361Trp). This variant is present in population databases (rs752858869, gnomAD 0.009%). This missense change has been observed in individuals with hemophagocytic lymphohistiocytosis (PMID: 14757862, 27577878, 32542393; internal data). ClinVar contains an entry for this variant (Variation ID: 502548). Invitae Evidence Modeling of protein sequence and biophysical properties (such as structural, functional, and spatial information, amino acid conservation, physicochemical variation, residue mobility, and thermodynamic stability) indicates that this missense variant is expected to disrupt PRF1 protein function with a positive predictive value of 95%. Experimental studies have shown that this missense change affects PRF1 function (PMID: 15755897, 16374518). For these reasons, this variant has been classified as Pathogenic.

Genomic Medicine Center of Excellence, King Faisal Specialist Hospital and Research Centre
Classification: Likely pathogenic for Hemophagocytic lymphohistiocytosis, familial, 2. Last evaluated: 2024-03-14. Review status: criteria provided, single submitter. Criteria: ACMG Guidelines, 2015. Collection method: clinical testing. Allele origin: germline.

Revvity Omics, Revvity
Classification: Pathogenic. Last evaluated: 2024-01-24. Review status: criteria provided, single submitter. Criteria: ACMG Guidelines, 2015. Collection method: clinical testing. Allele origin: germline.

Baylor Genetics
Classification: Pathogenic for Aplastic anemia. Last evaluated: 2023-08-03. Review status: criteria provided, single submitter. Criteria: ACMG Guidelines, 2015. Collection method: clinical testing. Allele origin: unknown.

Blueprint Genetics
Classification: Pathogenic for PRF1-related disorders. Last evaluated: 2019-06-28. Review status: criteria provided, single submitter. Criteria: ACMG Guidelines, 2015. Collection method: clinical testing. Allele origin: germline. Affected: yes. Observed: 1 variant allele.

Eurofins Ntd Llc (ga)
Classification: Pathogenic. Last evaluated: 2017-06-16. Review status: criteria provided, single submitter. Criteria: EGL Classification Definitions 2015. Collection method: clinical testing. Allele origin: germline. Observed: 1 variant allele, 1 heterozygote.

Biochemical Molecular Genetic Laboratory, King Abdulaziz Medical City
Classification: Pathogenic for Familial hemophagocytic lymphohistiocytosis 2. Last evaluated: 2019-08-25. Review status: no assertion criteria provided. Collection method: clinical testing. Allele origin: germline. Affected: yes. Not counted in ClinVar's aggregate classification.

Literature cited by the submitters: PubMed 14757862 (cited by Labcorp Genetics (formerly Invitae), Labcorp); PubMed 27577878 (cited by Labcorp Genetics (formerly Invitae), Labcorp); PubMed 32542393 (cited by Labcorp Genetics (formerly Invitae), Labcorp); PubMed 15755897 (cited by Labcorp Genetics (formerly Invitae), Labcorp); PubMed 16374518 (cited by Labcorp Genetics (formerly Invitae), Labcorp).

NM_001083116.3(PRF1):c.1081A>T (p.Arg361Trp)

Gene: PRF1 (perforin 1; minus strand). Cytogenetic location: 10q22.1.
Variant type: single nucleotide variant.
Coding change: c.1081A>T on transcript NM_001083116.3 (MANE Select); coding-DNA position 1081, A replaced by T.
Protein change: p.Arg361Trp; replaces arginine 361 with tryptophan.
Molecular consequence: missense variant.
Genome position (GRCh38, 1-based): chr10:70,598,640, T>A on the plus strand (A>T on the coding strand, the complement: PRF1 is on the minus strand). VCF-style: chr10-70598640-T-A. GRCh37 (hg19) VCF-style: chr10-72358396-T-A.
Other names: c.1081A>T, p.Arg361Trp (NM_005041.6); short protein forms R361W.
Identifiers: ClinVar variation 502548 (VCV000502548.16), dbSNP rs752858869, ClinGen allele CA5538829.
Genomic context (GRCh38, chr10:70,598,640, plus strand): 5'-ACGGCCGGCTGCAGTCCCTCCAGCGAGCCCTGTCCGTCAGGTACTGACTCAGGGCCCTCC[T>A]CAGTGCCTCCCGCCGCGGGTCCTGGCTGTCCAGCAGCACGTGCAGGGGTTCCAGGGTGTA-3'
Protein context (NP_001076585.1, residues 351-371): DSQDPRREAL[Arg361Trp]RALSQYLTDR